The following is an entry in ClinVar:

NM_001348716.2(KDM6B):c.4488C>A (p.Ala1496=)

Genes: KDM6B (lysine demethylase 6B; plus strand), LOC121587574 (Sharpr-MPRA regulatory region 3930; plus strand). Cytogenetic location: 17p13.1.
Variant type: single nucleotide variant.
Coding change: c.4488C>A on transcript NM_001348716.2 (MANE Select); coding-DNA position 4488, C replaced by A.
Protein change: p.Ala1496=; no amino-acid change (alanine 1496 retained).
Molecular consequence: synonymous variant.
Genome position (GRCh38, 1-based): chr17:7,852,514, C>A. VCF-style: chr17-7852514-C-A. GRCh37 (hg19) VCF-style: chr17-7755832-C-A.
Other names: c.4488C>A, p.Ala1496= (NM_001080424.2).
Identifiers: ClinVar variation 1690570 (VCV001690570.2), dbSNP rs1301300112, ClinGen allele CA497719113.

ClinVar aggregate classification (germline): Uncertain significance (1 of 4 stars; one submission).

Submission:

Laboratorio de Genetica e Diagnostico Molecular, Hospital Israelita Albert Einstein
Classification: Uncertain significance. Last evaluated: 2022-03-09. Review status: criteria provided, single submitter. Criteria: ACMG Guidelines, 2015. Collection method: clinical testing. Allele origin: germline. Affected: yes.
Comment: ACMG classification criteria: PM2